The following is an entry in ClinVar:

ClinVar aggregate classification (germline): Uncertain significance (1 of 4 stars; one submission).

Conditions:
Inborn genetic diseases. Identifiers: MedGen C0950123, MeSH D030342.

Submission:

Ambry Genetics
Classification: Uncertain significance for Inborn genetic diseases. Last evaluated: 2021-08-21. Review status: criteria provided, single submitter. Criteria: Ambry Variant Classification Scheme 2023. Collection method: clinical testing. Allele origin: germline.
Comment: The p.N1762S variant (also known as c.5285A>G), located in coding exon 30 of the ATR gene, results from an A to G substitution at nucleotide position 5285. The asparagine at codon 1762 is replaced by serine, an amino acid with highly similar properties. This amino acid position is conserved. In addition, this alteration is predicted to be tolerated by in silico analysis. Since supporting evidence is limited at this time, the clinical significance of this alteration remains unclear.

NM_001184.4(ATR):c.5285A>G (p.Asn1762Ser)

Gene: ATR (ATR checkpoint kinase; minus strand). Cytogenetic location: 3q23.
Variant type: single nucleotide variant.
Coding change: c.5285A>G on transcript NM_001184.4 (MANE Select); coding-DNA position 5285, A replaced by G.
Protein change: p.Asn1762Ser; replaces asparagine 1762 with serine.
Molecular consequence: missense variant.
Genome position (GRCh38, 1-based): chr3:142,503,365, T>C on the plus strand (A>G on the coding strand, the complement: ATR is on the minus strand). VCF-style: chr3-142503365-T-C. GRCh37 (hg19) VCF-style: chr3-142222207-T-C.
Other names: c.5093A>G, p.Asn1698Ser (NM_001354579.2); short protein forms N1698S, N1762S.
Identifiers: ClinVar variation 1746590 (VCV001746590.2), dbSNP rs2473182372, ClinGen allele CA354818231.